The following is an entry in ClinVar:

NM_001283009.2(RTEL1):c.2761G>C (p.Asp921His)

Genes: RTEL1 (regulator of telomere elongation helicase 1; plus strand), RTEL1-TNFRSF6B (RTEL1-TNFRSF6B readthrough (NMD candidate); plus strand). Cytogenetic location: 20q13.33.
Variant type: single nucleotide variant.
Coding change: c.2761G>C on transcript NM_001283009.2 (MANE Select); coding-DNA position 2761, G replaced by C.
Protein change: p.Asp921His; replaces aspartic acid 921 with histidine.
Molecular consequence: missense variant. On other transcripts: non-coding transcript variant (1).
Genome position (GRCh38, 1-based): chr20:63,692,913, G>C. VCF-style: chr20-63692913-G-C. GRCh37 (hg19) VCF-style: chr20-62324266-G-C.
Other names: c.2092G>C, p.Asp698His (NM_001283010.1); c.2761G>C, p.Asp921His (NM_016434.4); c.2833G>C, p.Asp945His (NM_032957.5); c.2761G>C (NM_001283009.1); short protein forms D945H, D921H, D698H.
Identifiers: ClinVar variation 567763 (VCV000567763.12), dbSNP rs765668627, ClinGen allele CA9965522.

ClinVar aggregate classification (germline): Conflicting classifications of pathogenicity. Review status: criteria provided, conflicting classifications (1 of 4 stars). 6 submissions from 6 submitters: Uncertain significance (4); Likely benign (1). 1 of the submissions does not count toward it. Last evaluated 2025-08-22.

Conditions:
Dyskeratosis congenita, autosomal recessive 5 (DKCB5). Identifiers: MedGen C3554656, MONDO:0014076, OMIM 615190.
Pulmonary fibrosis and/or bone marrow failure, Telomere-related, 3. Also called: PULMONARY FIBROSIS AND/OR BONE MARROW FAILURE SYNDROME, TELOMERE-RELATED, 3. Identifiers: Orphanet 2032, MedGen C4225346, MONDO:0014613, OMIM 616373.
Inborn genetic diseases. Identifiers: MedGen C0950123, MeSH D030342.
Dyskeratosis congenita. Identifiers: Orphanet 1775, MedGen C0265965, MONDO:0015780.

Allele frequency attached by ClinVar (database versions not stated): ExAC 0.00002; gnomAD exomes 0.00003 and 0.00011; gnomAD 0.00004; TOPMed 0.00007.
gnomAD v4.1: 168 of 1,612,554 alleles (0.01%); highest among the groups gnomAD compares: Non-Finnish European, 0.014%; no homozygotes.

Submissions (6):

Ambry Genetics
Classification: Uncertain significance for Inborn genetic diseases. Last evaluated: 2025-08-22. Review status: criteria provided, single submitter. Criteria: Ambry Variant Classification Scheme 2023. Collection method: clinical testing. Allele origin: germline.

GeneDx
Classification: Uncertain significance. Last evaluated: 2025-01-31. Review status: criteria provided, single submitter. Criteria: GeneDx Variant Classification Process June 2021. Collection method: clinical testing. Allele origin: germline.
Comment: In silico analysis indicates that this missense variant does not alter protein structure/function; Has not been previously published as pathogenic or benign to our knowledge

Labcorp Genetics (formerly Invitae), Labcorp
Classification: Uncertain significance for Dyskeratosis congenita, autosomal recessive 5; Pulmonary fibrosis and/or bone marrow failure, Telomere-related, 3. Last evaluated: 2024-10-16. Review status: criteria provided, single submitter. Criteria: Invitae Variant Classification Sherloc (09022015). Collection method: clinical testing. Allele origin: germline.
Comment: This sequence change replaces aspartic acid, which is acidic and polar, with histidine, which is basic and polar, at codon 945 of the RTEL1 protein (p.Asp945His). This variant is present in population databases (rs765668627, gnomAD 0.007%). This variant has not been reported in the literature in individuals affected with RTEL1-related conditions. ClinVar contains an entry for this variant (Variation ID: 567763). An algorithm developed to predict the effect of missense changes on protein structure and function outputs the following: PolyPhen-2: "Benign". The histidine amino acid residue is found in multiple mammalian species, which suggests that this missense change does not adversely affect protein function. In summary, the available evidence is currently insufficient to determine the role of this variant in disease. Therefore, it has been classified as a Variant of Uncertain Significance.

Victorian Clinical Genetics Services, Murdoch Childrens Research Institute
Classification: Uncertain significance for Dyskeratosis congenita, autosomal recessive 5. Last evaluated: 2023-07-16. Review status: criteria provided, single submitter. Criteria: ACMG Guidelines, 2015. Collection method: clinical testing. Allele origin: germline. Affected: yes.
Comment: Based on the classification scheme VCGS_Germline_v1.3.4, this variant is classified as VUS-3B. Following criteria are met: 0102 - Loss of function is a known mechanism of disease in this gene and is associated with autosomal dominant dyskeratosis congenita 4 and autosomal recessive dyskeratosis congenita 5 (MIM#615190), and autosomal dominant telomere-related pulmonary fibrosis and/or bone marrow failure 3 (MIM#616373). (I) 0108 - This gene is associated with both recessive and dominant disease (OMIM). (I) 0112 - The condition associated with this gene has incomplete penetrance. Monoallelic pathogenic variants have been reported in asymptomatic family members (PMIDs: 23329068, 25848748, 35199181). (I) 0115 - Variants in this gene are known to have variable expressivity (OMIM). (I) 0200 - Variant is predicted to result in a missense amino acid change from aspartic acid to histidine. (I) 0251 - This variant is heterozygous. (I) 0304 - Variant is present in gnomAD (v2 & v3) <0.01 (13 heterozygotes, 0 homozygotes). (SP) 0309 - An alternative amino acid change at the same position has been observed in gnomAD (v2) (1 heterozygote, 0 homozygotes). (I) 0503 - Missense variant consistently predicted to be tolerated by multiple in silico tools or not conserved in placental mammals with a minor amino acid change. (SB) 0600 - Variant is located in the annotated harmonin N-like domain (PMID: 29344583). (I) 0705 - No comparable missense variants have previous evidence for pathogenicity. (I) 0809 - Previous evidence of pathogenicity for this variant is inconclusive. This variant has been reported as a VUS by multiple clinical laboratories (ClinVar). (I) 0905 - No published segregation evidence has been identified for this variant. (I) 1007 - No published functional evidence has been identified for this variant. (I) 1208 - Inheritance information for this variant is not currently available in this individual. (I) Legend: (SP) - Supporting pathogenic, (I) - Information, (SB) - Supporting benign

Blueprint Genetics
Classification: Likely benign. Last evaluated: 2021-12-06. Review status: criteria provided, single submitter. Criteria: ACMG Guidelines, 2015. Collection method: clinical testing. Allele origin: germline.

Natera, Inc.
Classification: Uncertain significance for Dyskeratosis congenita. Last evaluated: 2019-11-11. Review status: no assertion criteria provided. Collection method: clinical testing. Allele origin: germline. Not counted in ClinVar's aggregate classification.

Literature cited by the submitters: PubMed 23329068 (cited by Victorian Clinical Genetics Services, Murdoch Childrens Research Institute); PubMed 25848748 (cited by Victorian Clinical Genetics Services, Murdoch Childrens Research Institute); PubMed 29344583 (cited by Victorian Clinical Genetics Services, Murdoch Childrens Research Institute); PubMed 35199181 (cited by Victorian Clinical Genetics Services, Murdoch Childrens Research Institute).